The following is an entry in ClinVar:

NM_152641.4(ARID2):c.148C>T (p.Leu50Phe)

Genes: ARID2 (AT-rich interaction domain 2; plus strand), LOC130007728 (ATAC-STARR-seq lymphoblastoid silent region 4376; plus strand). Cytogenetic location: 12q12.
Variant type: single nucleotide variant.
Coding change: c.148C>T on transcript NM_152641.4 (MANE Select); coding-DNA position 148, C replaced by T.
Protein change: p.Leu50Phe; replaces leucine 50 with phenylalanine.
Molecular consequence: missense variant.
Genome position (GRCh38, 1-based): chr12:45,730,099, C>T. VCF-style: chr12-45730099-C-T. GRCh37 (hg19) VCF-style: chr12-46123882-C-T.
Other names: c.148C>T, p.Leu50Phe (NM_001347839.2); short protein forms L50F.
Identifiers: ClinVar variation 4885725 (VCV004885725.2).

ClinVar aggregate classification (germline): Uncertain significance (1 of 4 stars; one submission).

Submission:

Dasa
Classification: Uncertain significance. Last evaluated: 2026-04-14. Review status: criteria provided, single submitter. Criteria: DASA Assertion Criteria. Collection method: clinical testing. Allele origin: germline.
Comment: NM_152641.4(ARID2):c.148C>T (p.Leu50Phe) is a missense variant that results in the substitution of leucine with phenylalanine. This variant is rare in population databases. Computational prediction algorithms are consistent with a deleterious effect. The currently available literature and clinical evidence are not sufficient to establish a definitive association between this variant and the reported condition. Therefore, this variant is classified as a variant of uncertain significance.